The following is an entry in ClinVar:

NM_005050.4(ABCD4):c.7dup (p.Val3fs)

Gene: ABCD4 (ATP binding cassette subfamily D member 4; minus strand). Cytogenetic location: 14q24.3.
Variant type: Duplication.
Coding change: c.7dup on transcript NM_005050.4 (MANE Select); coding-DNA position 7, one base duplicated (G; older notation c.7dupG).
Protein change: p.Val3fs; shifts the reading frame from valine 3.
Molecular consequence: frameshift variant. On other transcripts: 5 prime UTR variant (19), non-coding transcript variant (10).
Genome position (GRCh38, 1-based): chr14:74,302,906, C duplicated on the plus strand (G on the coding strand, the reverse complement: ABCD4 is on the minus strand); the first of 2 consecutive C bases (chr14:74,302,906-74,302,907); duplicating either gives the same sequence. VCF-style (leftmost placement, unchanged base first): chr14-74302905-A-AC. GRCh37 (hg19) VCF-style: chr14-74769608-A-AC.
Other names: c.7dup, p.Val3fs (NM_001353591.2, NM_001353592.2, NM_020325.3); c.-136dup (NM_001353593.2, NM_001353594.2); c.-403dup (NM_001353595.2); c.-275dup (NM_001353596.2, NM_001353597.2); c.-224dup (NM_001353598.2); c.-331dup (NM_001353599.2, NM_020324.3); c.-343dup (NM_001353600.2); c.-203dup (NM_001353601.2); and 7 more; short protein forms V3fs.
Identifiers: ClinVar variation 2784087 (VCV002784087.3), dbSNP rs2505983851, ClinGen allele CA2625656455.

ClinVar aggregate classification (germline): Pathogenic (1 of 4 stars; one submission).

Conditions:
Methylmalonic acidemia with homocystinuria, type cblJ (MAHCJ). Also called: METHYLMALONIC ACIDURIA AND HOMOCYSTINURIA, cblJ TYPE. Identifiers: Orphanet 369955, MedGen C3553915, MONDO:0013925, OMIM 614857.

Submission:

Labcorp Genetics (formerly Invitae), Labcorp
Classification: Pathogenic for Methylmalonic acidemia with homocystinuria, type cblJ. Last evaluated: 2023-09-23. Review status: criteria provided, single submitter. Criteria: Invitae Variant Classification Sherloc (09022015). Collection method: clinical testing. Allele origin: germline.
Comment: This sequence change creates a premature translational stop signal (p.Val3Glyfs*78) in the ABCD4 gene. It is expected to result in an absent or disrupted protein product. Loss-of-function variants in ABCD4 are known to be pathogenic (PMID: 22922874). This variant is not present in population databases (gnomAD no frequency). This variant has not been reported in the literature in individuals affected with ABCD4-related conditions. For these reasons, this variant has been classified as Pathogenic.

Literature cited by the submitters: PubMed 22922874.